The following is an entry in ClinVar:

NM_000090.4(COL3A1):c.1878T>A (p.Gly626=)

Gene: COL3A1 (collagen type III alpha 1 chain; plus strand). Cytogenetic location: 2q32.2.
Variant type: single nucleotide variant.
Coding change: c.1878T>A on transcript NM_000090.4 (MANE Select); coding-DNA position 1878, T replaced by A.
Protein change: p.Gly626=; no amino-acid change (glycine 626 retained).
Molecular consequence: synonymous variant.
Genome position (GRCh38, 1-based): chr2:188,997,708, T>A. VCF-style: chr2-188997708-T-A. GRCh37 (hg19) VCF-style: chr2-189862434-T-A.
Identifiers: ClinVar variation 3072255 (VCV003072255.1), dbSNP rs2469139148, ClinGen allele CA430309968.

ClinVar aggregate classification (germline): Uncertain significance (1 of 4 stars; one submission).

Conditions:
Ehlers-Danlos syndrome, type 4 (EDSVASC). Also called: Ehlers-Danlos Syndrome Type IV; Ehlers-Danlos syndrome vascular type; Ehlers Danlos syndrome, ecchymotic type; Ehlers Danlos syndrome, arterial type; Ehlers Danlos syndrome, Sack-Barabas type. Identifiers: Orphanet 286, MedGen C0268338, MONDO:0017314, OMIM 130050.

Submission:

All of Us Research Program, National Institutes of Health
Classification: Uncertain significance for Ehlers-Danlos syndrome, type 4. Last evaluated: 2023-06-26. Review status: criteria provided, single submitter. Criteria: ACMG Guidelines, 2015. Collection method: clinical testing. Allele origin: germline. Inheritance: Autosomal dominant inheritance. Observed: 1 variant allele, 1 heterozygote.
Comment: This variant is located in the COL3A1 protein. To our knowledge, functional studies have not been reported for this variant. This variant has not been reported in individuals affected with COL3A1-related disorders in the literature. This variant has not been identified in the general population by the Genome Aggregation Database (gnomAD). The available evidence is insufficient to determine the role of this variant in disease conclusively. Therefore, this variant is classified as a Variant of Uncertain Significance.

This study involves interpretation of variants in research participants for the purpose of population health screening. Participant phenotype was not available at the time of variant classification. Additional details can be found in publication PMID: 35346344, PMCID: PMC8962531